The following is an entry in ClinVar:

NM_018194.6(HHAT):c.791T>C (p.Leu264Pro)

Gene: HHAT (hedgehog acyltransferase; plus strand). Cytogenetic location: 1q32.2.
Variant type: single nucleotide variant.
Coding change: c.791T>C on transcript NM_018194.6 (MANE Select); coding-DNA position 791, T replaced by C.
Protein change: p.Leu264Pro; replaces leucine 264 with proline.
Molecular consequence: missense variant.
Genome position (GRCh38, 1-based): chr1:210,418,260, T>C. VCF-style: chr1-210418260-T-C. GRCh37 (hg19) VCF-style: chr1-210591604-T-C.
Other names: c.791T>C, p.Leu264Pro (NM_001122834.4, NM_001170580.3); c.380T>C, p.Leu127Pro (NM_001170564.3); c.794T>C, p.Leu265Pro (NM_001170587.3); c.596T>C, p.Leu199Pro (NM_001170588.3); short protein forms L127P, L199P, L264P, L265P.
Identifiers: ClinVar variation 1472967 (VCV001472967.8), dbSNP rs769514962, ClinGen allele CA1379245.

ClinVar aggregate classification (germline): Uncertain significance (1 of 4 stars; one submission).

Allele frequency attached by ClinVar (database versions not stated): gnomAD exomes below 0.00001 and 0.00001; ExAC 0.00001; gnomAD 0.00001; TOPMed 0.00002.
gnomAD v4.1: 4 of 1,613,708 alleles (0.00025%); highest among the groups gnomAD compares: African/African-American, 0.004%; no homozygotes.

Submission:

Labcorp Genetics (formerly Invitae), Labcorp
Classification: Uncertain significance. Last evaluated: 2021-04-11. Review status: criteria provided, single submitter. Criteria: Invitae Variant Classification Sherloc (09022015). Collection method: clinical testing. Allele origin: germline.
Comment: In summary, the available evidence is currently insufficient to determine the role of this variant in disease. Therefore, it has been classified as a Variant of Uncertain Significance. Algorithms developed to predict the effect of missense changes on protein structure and function are either unavailable or do not agree on the potential impact of this missense change (SIFT: "Tolerated"; PolyPhen-2: "Probably Damaging"; Align-GVGD: "Class C0"). This variant has not been reported in the literature in individuals with HHAT-related conditions. This variant is present in population databases (rs769514962, ExAC 0.01%). This sequence change replaces leucine with proline at codon 264 of the HHAT protein (p.Leu264Pro). The leucine residue is weakly conserved and there is a moderate physicochemical difference between leucine and proline.